The following is an entry in ClinVar:

NM_014225.6(PPP2R1A):c.1056C>T (p.Leu352=)

Gene: PPP2R1A (protein phosphatase 2 scaffold subunit Aalpha; plus strand). Cytogenetic location: 19q13.41.
Variant type: single nucleotide variant.
Coding change: c.1056C>T on transcript NM_014225.6 (MANE Select); coding-DNA position 1056, C replaced by T.
Protein change: p.Leu352=; no amino-acid change (leucine 352 retained).
Molecular consequence: synonymous variant. On other transcripts: non-coding transcript variant (1).
Genome position (GRCh38, 1-based): chr19:52,216,591, C>T. VCF-style: chr19-52216591-C-T. GRCh37 (hg19) VCF-style: chr19-52719844-C-T.
Other names: c.519C>T, p.Leu173= (NM_001363656.2); c.1056C>T (NM_014225.5).
Identifiers: ClinVar variation 1609829 (VCV001609829.40), dbSNP rs749256759, ClinGen allele CA9621510.

ClinVar aggregate classification (germline): Likely benign. Review status: criteria provided, multiple submitters, no conflicts (2 of 4 stars). 3 submissions from 3 submitters: Likely benign (2). 1 of the submissions does not count toward it. Last evaluated 2025-01-19.

Conditions:
PPP2R1A-related disorder.

Allele frequency attached by ClinVar (database versions not stated): gnomAD 0.00005 and 0.00007; TOPMed 0.00008; ExAC 0.00017.
gnomAD v4.1: 122 of 1,614,030 alleles (0.0076%); highest among the groups gnomAD compares: Non-Finnish European, 0.0095%; no homozygotes.

Submissions (3):

Labcorp Genetics (formerly Invitae), Labcorp
Classification: Likely benign. Last evaluated: 2025-01-19. Review status: criteria provided, single submitter. Criteria: Invitae Variant Classification Sherloc (09022015). Collection method: clinical testing. Allele origin: germline.

CeGaT Center for Human Genetics Tuebingen
Classification: Likely benign. Last evaluated: 2022-03-01. Review status: criteria provided, single submitter. Criteria: CeGaT Center For Human Genetics Tuebingen Variant Classification Criteria Version 2. Collection method: clinical testing. Allele origin: germline. Affected: yes. Observed: 1 variant allele.
Comment: PPP2R1A: BP4, BP7

PreventionGenetics, part of Exact Sciences
Classification: Likely benign for PPP2R1A-related condition. Last evaluated: 2019-04-16. Review status: no assertion criteria provided. Collection method: clinical testing. Allele origin: germline. Not counted in ClinVar's aggregate classification.
Comment: This variant is classified as likely benign based on ACMG/AMP sequence variant interpretation guidelines (Richards et al. 2015 PMID: 25741868, with internal and published modifications).